The following is an entry in ClinVar:

ClinVar aggregate classification (germline): Pathogenic (1 of 4 stars; one submission).

Conditions:
GNPTAB-mucolipidosis. Also called: UDP-N-acetylglucosamine-1-phosphotransferase subunit alpha/beta deficiency. Identifiers: MedGen CN322573, MONDO:0100122.

Submission:

Myriad Genetics, Inc.
Classification: Pathogenic for GNPTAB-mucolipidosis. Last evaluated: 2023-11-19. Review status: criteria provided, single submitter. Criteria: Myriad Autosomal Dominant, Autosomal Recessive and X-Linked Classification Criteria (2023). Collection method: clinical testing. Allele origin: unknown.
Comment: NM_024312.4(GNPTAB):c.1711_1714dupGTAG(A572Gfs*7) is expected to be pathogenic in the context of GNPTAB-related disorders. This variant is predicted to lead to an abnormal or absent protein product due to the creation of a premature termination codon in GNPTAB, a gene where loss-of-function variants are known to be pathogenic. Please note: this variant was assessed in the context of healthy population screening.

NM_024312.5(GNPTAB):c.1711_1714dup (p.Ala572fs)

Gene: GNPTAB (N-acetylglucosamine-1-phosphate transferase subunits alpha and beta; minus strand). Cytogenetic location: 12q23.2.
Variant type: Duplication.
Coding change: c.1711_1714dup on transcript NM_024312.5 (MANE Select); coding-DNA positions 1711 to 1714, 4 bases duplicated (GTAG; older notation c.1711_1714dupGTAG).
Protein change: p.Ala572fs; shifts the reading frame from alanine 572.
Molecular consequence: frameshift variant.
Genome position (GRCh38, 1-based): chr12:101,765,203-101,765,206, CTAC duplicated on the plus strand (GTAG on the coding strand, the reverse complement: GNPTAB is on the minus strand). VCF-style (leftmost placement, unchanged base first): chr12-101765202-G-GCTAC. GRCh37 (hg19) VCF-style: chr12-102158980-G-GCTAC.
Other names: short protein forms A572fs.
Identifiers: ClinVar variation 5012502 (VCV005012502.1).